The following is an entry in ClinVar:

NM_012262.4(HS2ST1):c.298A>G (p.Asn100Asp)

Gene: HS2ST1 (heparan sulfate 2-O-sulfotransferase 1; plus strand). Cytogenetic location: 1p22.3.
Variant type: single nucleotide variant.
Coding change: c.298A>G on transcript NM_012262.4 (MANE Select); coding-DNA position 298, A replaced by G.
Protein change: p.Asn100Asp; replaces asparagine 100 with aspartic acid.
Molecular consequence: missense variant.
Genome position (GRCh38, 1-based): chr1:87,073,107, A>G. VCF-style: chr1-87073107-A-G. GRCh37 (hg19) VCF-style: chr1-87538790-A-G.
Other names: c.298A>G, p.Asn100Asp (NM_001134492.2); short protein forms N100D.
Identifiers: ClinVar variation 4875428 (VCV004875428.2).

ClinVar aggregate classification (germline): Uncertain significance (1 of 4 stars; one submission).

Submission:

CeGaT Center for Human Genetics Tuebingen
Classification: Uncertain significance. Last evaluated: 2026-06-01. Review status: criteria provided, single submitter. Criteria: CeGaT Center For Human Genetics Tuebingen Variant Classification Criteria Version 2. Collection method: clinical testing. Allele origin: germline. Affected: yes. Observed: 1 variant allele.
Comment: HS2ST1: PM2, PP3, PS2:Supporting